The following is an entry in ClinVar:

NM_032756.4(HPDL):c.134T>A (p.Leu45Gln)

Gene: HPDL (4-hydroxyphenylpyruvate dioxygenase like; plus strand). Cytogenetic location: 1p34.1.
Variant type: single nucleotide variant.
Coding change: c.134T>A on transcript NM_032756.4 (MANE Select); coding-DNA position 134, T replaced by A.
Protein change: p.Leu45Gln; replaces leucine 45 with glutamine.
Molecular consequence: missense variant.
Genome position (GRCh38, 1-based): chr1:45,327,282, T>A. VCF-style: chr1-45327282-T-A. GRCh37 (hg19) VCF-style: chr1-45792954-T-A.
Other names: c.134T>A (NM_032756.2); short protein forms L45Q.
Identifiers: ClinVar variation 1683729 (VCV001683729.12), dbSNP rs199632752, ClinGen allele CA826197.

ClinVar aggregate classification (germline): Conflicting classifications of pathogenicity. Review status: criteria provided, conflicting classifications (1 of 4 stars). 4 submissions from 4 submitters: Uncertain significance (2); Likely benign (1). 1 of the submissions does not count toward it. Last evaluated 2026-06-01.

Conditions:
Neurodevelopmental disorder with progressive spasticity and brain white matter abnormalities. Also called: CEREBRAL PALSY, SPASTIC QUADRIPLEGIC, 1. Identifiers: Orphanet 210141, Orphanet 641353, MedGen C5436628, MONDO:0033613, OMIM 619026.
HPDL-related disorder. Also called: HPDL-related condition.

Allele frequency attached by ClinVar (database versions not stated): 1000 Genomes Project 30x 0.00062; 1000 Genomes Project 0.00080; ESP Exome Variant Server 0.00116; TOPMed 0.00127; gnomAD exomes 0.00139; gnomAD 0.00149 and 0.00152; ExAC 0.00206.
gnomAD v4.1: 3,222 of 1,593,358 alleles (0.2%); highest among the groups gnomAD compares: Non-Finnish European, 0.25%; 4 homozygotes.

Submissions (4):

CeGaT Center for Human Genetics Tuebingen
Classification: Likely benign. Last evaluated: 2026-06-01. Review status: criteria provided, single submitter. Criteria: CeGaT Center For Human Genetics Tuebingen Variant Classification Criteria Version 2. Collection method: clinical testing. Allele origin: germline. Affected: yes. Observed: 4 variant alleles.
Comment: HPDL: BS2

Laboratorio de Genetica e Diagnostico Molecular, Hospital Israelita Albert Einstein
Classification: Uncertain significance for Neurodevelopmental disorder with progressive spasticity and brain white matter abnormalities. Last evaluated: 2021-05-27. Review status: criteria provided, single submitter. Criteria: ACMG Guidelines, 2015. Collection method: clinical testing. Allele origin: germline. Affected: yes.
Comment: ACMG classification criteria: BP4 supporting

Breakthrough Genomics
Classification: Uncertain significance. Review status: criteria provided, single submitter. Criteria: ACMG Guidelines, 2015. Collection method: not provided. Allele origin: germline. Inheritance: Autosomal recessive inheritance. Affected: yes.

PreventionGenetics, part of Exact Sciences
Classification: Likely benign for HPDL-related condition. Last evaluated: 2022-04-28. Review status: no assertion criteria provided. Collection method: clinical testing. Allele origin: germline. Not counted in ClinVar's aggregate classification.
Comment: This variant is classified as likely benign based on ACMG/AMP sequence variant interpretation guidelines (Richards et al. 2015 PMID: 25741868, with internal and published modifications).